The following is an entry in ClinVar:

ClinVar aggregate classification (germline): Uncertain significance (1 of 4 stars; one submission).

Conditions:
Leigh syndrome (NULS). Also called: Leigh's necrotizing encephalopathy; Leigh's disease; Leigh Syndrome (mtDNA deletion); Leigh Disease; Subacute necrotizing encephalopathy; Necrotizing encephalopathy infantile subacute of Leigh. Identifiers: Orphanet 506, MedGen C2931891, MONDO:0009723, OMIM 256000.

Submission:

Wong Mito Lab, Molecular and Human Genetics, Baylor College of Medicine
Classification: Uncertain significance for Leigh syndrome. Last evaluated: 2019-10-17. Review status: criteria provided, single submitter. Criteria: Modified ACMG Guidelines (Unpublished). Collection method: clinical testing. Allele origin: germline.
Comment: The NC_012920.1:m.8844C>A (YP_003024031.1:p.Ile106Met) variant in MTATP6 gene is interpretated to be a Uncertain Significance variant based on the modified ACMG guidelines (unpublished). This variant meets the following evidence codes: PP4

NC_012920.1(MT-ATP6):m.8844C>A

Gene: MT-ATP6 (mitochondrially encoded ATP synthase 6; plus strand).
Variant type: single nucleotide variant.
Genome position: chrM-8844-C-A.
Identifiers: ClinVar variation 693001 (VCV000693001.1), dbSNP rs1603221840, ClinGen allele CA913180481.